The following is an entry in ClinVar:

ClinVar aggregate classification (germline): Uncertain significance (1 of 4 stars; one submission).

Submission:

GeneDx
Classification: Uncertain significance. Last evaluated: 2024-11-21. Review status: criteria provided, single submitter. Criteria: GeneDx Variant Classification Process June 2021. Collection method: clinical testing. Allele origin: germline. Affected: yes.
Comment: Not observed at significant frequency in large population cohorts (gnomAD); In silico analysis supports that this missense variant has a deleterious effect on protein structure/function; Has not been previously published as pathogenic or benign to our knowledge

NM_015557.3(CHD5):c.3051C>G (p.Ser1017Arg)

Gene: CHD5 (chromodomain helicase DNA binding protein 5; minus strand). Cytogenetic location: 1p36.31.
Variant type: single nucleotide variant.
Coding change: c.3051C>G on transcript NM_015557.3 (MANE Select); coding-DNA position 3051, C replaced by G.
Protein change: p.Ser1017Arg; replaces serine 1017 with arginine.
Molecular consequence: missense variant.
Genome position (GRCh38, 1-based): chr1:6,134,221, G>C on the plus strand (C>G on the coding strand, the complement: CHD5 is on the minus strand). VCF-style: chr1-6134221-G-C. GRCh37 (hg19) VCF-style: chr1-6194281-G-C.
Other names: short protein forms S1017R.
Identifiers: ClinVar variation 3900599 (VCV003900599.1).